The following is an entry in ClinVar:

NM_001110556.2(FLNA):c.2944+2T>A

Gene: FLNA (filamin A; minus strand). Cytogenetic location: Xq28.
Variant type: single nucleotide variant.
Coding change: c.2944+2T>A on transcript NM_001110556.2 (MANE Select); the canonical splice donor site of the intron after coding-DNA position 2944, T replaced by A.
Molecular consequence: splice donor variant.
Genome position (GRCh38, 1-based): chrX:154,361,668, A>T on the plus strand (T>A on the coding strand, the complement: FLNA is on the minus strand). VCF-style: chrX-154361668-A-T. GRCh37 (hg19) VCF-style: chrX-153590036-A-T.
Other names: c.2944+2T>A (NM_001456.4).
Identifiers: ClinVar variation 3760245 (VCV003760245.2).

ClinVar aggregate classification (germline): Likely pathogenic (1 of 4 stars; one submission).

Conditions:
Melnick-Needles syndrome (MNS). Also called: MELNICK-NEEDLES OSTEODYSPLASTY; OSTEODYSPLASTY OF MELNICK AND NEEDLES; Melnick-Needles Syndrome (FLNA-MNS). Identifiers: Orphanet 2484, MedGen C0025237, MONDO:0010650, OMIM 309350.
Frontometaphyseal dysplasia (FMD1). Identifiers: Orphanet 1826, MedGen C0265293, MONDO:0015942.
Heterotopia, periventricular, X-linked dominant (PVNH1). Also called: PERIVENTRICULAR NODULAR HETEROTOPIA 1; X-linked periventricular heterotopia; PERIVENTRICULAR NODULAR HETEROTOPIA 4; HETEROTOPIA, PERIVENTRICULAR, 1. Identifiers: Orphanet 2149, Orphanet 82004, MedGen C1848213, MONDO:0010233, OMIM 300049.
Oto-palato-digital syndrome, type II (OPD2). Also called: FACIOPALATOOSSEOUS SYNDROME; OPD II SYNDROME; Otopalatodigital Syndrome, Type II; Otopalatodigital Syndrome Type 2 (FLNA-OPD2). Identifiers: Orphanet 669, Orphanet 90652, MedGen C1844696, MONDO:0010571, OMIM 304120.

Submission:

Labcorp Genetics (formerly Invitae), Labcorp
Classification: Likely pathogenic for Oto-palato-digital syndrome, type II; Heterotopia, periventricular, X-linked dominant; Frontometaphyseal dysplasia; Melnick-Needles syndrome. Last evaluated: 2025-01-06. Review status: criteria provided, single submitter. Criteria: Invitae Variant Classification Sherloc (09022015). Collection method: clinical testing. Allele origin: germline.
Comment: This sequence change affects a donor splice site in intron 20 of the FLNA gene. It is expected to disrupt RNA splicing. Variants that disrupt the donor or acceptor splice site typically lead to a loss of protein function (PMID: 16199547), and loss-of-function variants in FLNA are known to be pathogenic (PMID: 16684786, 20730588, 26471271). This variant is not present in population databases (gnomAD no frequency). This variant has not been reported in the literature in individuals affected with FLNA-related conditions. Algorithms developed to predict the effect of sequence changes on RNA splicing suggest that this variant may disrupt the consensus splice site. In summary, the currently available evidence indicates that the variant is pathogenic, but additional data are needed to prove that conclusively. Therefore, this variant has been classified as Likely Pathogenic.

Literature cited by the submitters: PubMed 16199547; PubMed 16684786; PubMed 20730588; PubMed 26471271.